The following is an entry in ClinVar:

NM_014874.4(MFN2):c.1574A>G (p.Asn525Ser)

Gene: MFN2 (mitofusin 2; plus strand). Cytogenetic location: 1p36.22.
Variant type: single nucleotide variant.
Coding change: c.1574A>G on transcript NM_014874.4 (MANE Select); coding-DNA position 1574, A replaced by G.
Protein change: p.Asn525Ser; replaces asparagine 525 with serine.
Molecular consequence: missense variant.
Genome position (GRCh38, 1-based): chr1:12,005,789, A>G. VCF-style: chr1-12005789-A-G. GRCh37 (hg19) VCF-style: chr1-12065846-A-G.
Other names: p.N525S:AAC>AGC; c.1574A>G, p.Asn525Ser (NM_001127660.2); short protein forms N525S.
Identifiers: ClinVar variation 214634 (VCV000214634.43), dbSNP rs145654854, ClinGen allele CA324235.

ClinVar aggregate classification (germline): Conflicting classifications of pathogenicity. Review status: criteria provided, conflicting classifications (1 of 4 stars). 8 submissions from 8 submitters: Uncertain significance (4); Likely benign (4). Last evaluated 2026-04-01.

Conditions:
MFN2-related disorder. Also called: MFN2-related condition; MFN2-related disorders.
Inborn genetic diseases. Identifiers: MedGen C0950123, MeSH D030342.
Charcot-Marie-Tooth disease type 2. Also called: Charcot-Marie-Tooth type 2. Identifiers: Orphanet 64746, MedGen C0270914, MONDO:0018993.
Charcot-Marie-Tooth disease. Also called: Charcot-Marie-Tooth Hereditary Neuropathy; Charcot-Marie-Tooth Neuropathy. Identifiers: Orphanet 166, MedGen C0007959, MONDO:0015626.

Allele frequency attached by ClinVar (database versions not stated): gnomAD 0.00010; gnomAD exomes 0.00010 and 0.00018; TOPMed 0.00012; ESP Exome Variant Server 0.00015; 1000 Genomes Project 0.00020; ExAC 0.00021; 1000 Genomes Project 30x 0.00031.
gnomAD v4.1: 182 of 1,614,128 alleles (0.011%); highest among the groups gnomAD compares: South Asian, 0.063%; no homozygotes.

Submissions (8):

PreventionGenetics, part of Exact Sciences
Classification: Uncertain significance for MFN2-related condition. Last evaluated: 2026-04-01. Review status: criteria provided, single submitter. Criteria: ACMG Guidelines, 2015. Collection method: clinical testing. Allele origin: germline.
Comment: The MFN2 c.1574A>G variant is predicted to result in the amino acid substitution p.Asn525Ser. This variant has been reported in individuals with Charcot-Marie-Tooth disease; however, evidence to support pathogenicity was not provided (Table S2, DiVincenzo et al. 2014. PubMed ID: 25614874; Table S2, Laššuthová et al. 2016. PubMed ID: 27549087; Volodarsky et al. 2020. PubMed ID: 32376792). This variant has also been reported in an individual with bulbar-onset amyotrophic lateral sclerosis (Scarlino et al. 2020. PubMed ID: 32397312) as well as in an individual with Leigh-like syndrome; however the patient also carried a variant in the DNM1 gene (Villa-Villegas et al. 2025. PubMed ID: 40717768). This variant is reported in 0.049% of alleles in individuals of South Asian descent in gnomAD, which may be too common to cause autosomal dominant disease. This variant has conflicting classifications in the ClinVar database ranging from likely benign to uncertain (Variation ID: 214634). Based on the evidence, we suspect this variant is benign for autosomal dominant disease, but is interpreted as uncertain for autosomal recessive disease.

Labcorp Genetics (formerly Invitae), Labcorp
Classification: Likely benign for Charcot-Marie-Tooth disease type 2. Last evaluated: 2026-01-26. Review status: criteria provided, single submitter. Criteria: Invitae Variant Classification Sherloc (09022015). Collection method: clinical testing. Allele origin: germline.

Women's Health and Genetics/Laboratory Corporation of America, LabCorp
Classification: Uncertain significance. Last evaluated: 2025-10-28. Review status: criteria provided, single submitter. Criteria: LabCorp Variant Classification Summary - May 2015. Collection method: clinical testing. Allele origin: germline.
Comment: Variant summary: MFN2 c.1574A>G (p.Asn525Ser) results in a conservative amino acid change in the encoded protein sequence. Algorithms developed to predict the effect of missense changes on protein structure and function all suggest that this variant is likely to be tolerated. The variant allele was found at a frequency of 0.00018 in 251496 control chromosomes. This frequency is not significantly higher than estimated for disease-causing variants in MFN2, allowing no conclusion about variant significance. c.1574A>G has been observed in individual(s) affected with Charcot-Marie Disease, Amyotrophic lateral sclerosis, and Inherited peripheral neuropathies (Lassuthova_2016, Scarlino_2020, Volodarsky_2021). These report(s) do not provide unequivocal conclusions about association of the variant with Charcot-Marie Disease, Axonal, Autosomal Recessive, Type 2a2b. To our knowledge, no experimental evidence demonstrating an impact on protein function has been reported. The following publications have been ascertained in the context of this evaluation (PMID: 27549087, 32397312, 32376792). ClinVar contains an entry for this variant (Variation ID: 214634). Based on the evidence outlined above, the variant was classified as uncertain significance.

CeGaT Center for Human Genetics Tuebingen
Classification: Likely benign. Last evaluated: 2025-08-01. Review status: criteria provided, single submitter. Criteria: CeGaT Center For Human Genetics Tuebingen Variant Classification Criteria Version 2. Collection method: clinical testing. Allele origin: germline. Affected: yes. Observed: 2 variant alleles.
Comment: MFN2: BP4

Ambry Genetics
Classification: Likely benign for Inborn genetic diseases. Last evaluated: 2024-11-06. Review status: criteria provided, single submitter. Criteria: Ambry Variant Classification Scheme 2023. Collection method: clinical testing. Allele origin: germline.

Blueprint Genetics
Classification: Likely benign. Last evaluated: 2024-04-30. Review status: criteria provided, single submitter. Criteria: ACMG Guidelines, 2015. Collection method: clinical testing. Allele origin: germline.

GeneDx
Classification: Uncertain significance. Last evaluated: 2023-10-20. Review status: criteria provided, single submitter. Criteria: GeneDx Variant Classification Process June 2021. Collection method: clinical testing. Allele origin: germline. Affected: yes.
Comment: Reported previously in a single family with inherited peripheral neuropathy, however detailed clinical or segregation information was not provided (PMID: 27549087); In silico analysis supports that this missense variant does not alter protein structure/function; This variant is associated with the following publications: (PMID: 26467025, 34426522, 32397312, 32376792, 27549087)

Molecular Genetics Laboratory, London Health Sciences Centre
Classification: Uncertain significance for Charcot-Marie-Tooth disease. Review status: criteria provided, single submitter. Criteria: ACMG Guidelines, 2015. Collection method: clinical testing. Allele origin: germline. Affected: yes.

Literature cited by the submitters: PubMed 32376792 (cited by Women's Health and Genetics/Laboratory Corporation of America, LabCorp); PubMed 32397312 (cited by Women's Health and Genetics/Laboratory Corporation of America, LabCorp); PubMed 27549087 (cited by Women's Health and Genetics/Laboratory Corporation of America, LabCorp and Ambry Genetics).